The following is an entry in ClinVar:

NM_182931.3(KMT2E):c.2334_2337del (p.Tyr779fs)

Gene: KMT2E (lysine methyltransferase 2E (inactive); plus strand). Cytogenetic location: 7q22.3.
Variant type: Deletion.
Coding change: c.2334_2337del on transcript NM_182931.3 (MANE Select); coding-DNA positions 2334 to 2337, 4 bases deleted (TTAC; older notation c.2334_2337delTTAC).
Protein change: p.Tyr779fs; shifts the reading frame from tyrosine 779.
Molecular consequence: frameshift variant.
Genome position (GRCh38, 1-based): chr7:105,105,576-105,105,579, TTAC deleted; deleting any 4 consecutive bases within chr7:105,105,574-105,105,579 gives the same sequence; the c. name uses the placement nearest the transcript's 3' end. VCF-style (leftmost placement, unchanged base first): chr7-105105573-CACTT-C. GRCh37 (hg19) VCF-style: chr7-104746020-CACTT-C.
Other names: c.2334_2337delTTAC, p.Tyr779Alafs (NM_001410908.1); c.2334_2337del, p.Tyr779fs (NM_018682.4); c.2334_2337delTTAC (NM_182931.2); short protein forms Y779fs.
Identifiers: ClinVar variation 2007780 (VCV002007780.8), dbSNP rs2536502995, ClinGen allele CA2580076090.
Genomic context (GRCh38, chr7:105,105,573, plus strand): 5'-TCTACGCATAACTACAGATCCTGAAGTGTTAGCTACACAACTCAATTCTTTACCAGGTCT[CACTT>C]ACAGCCCCCATGTATACTCCACTCCTAAGCATTATATTAGATTTACTTCACCATTCCTTT-3'

ClinVar aggregate classification (germline): Pathogenic. Review status: criteria provided, multiple submitters, no conflicts (2 of 4 stars). 3 submissions from 3 submitters: Pathogenic (3). Last evaluated 2026-03-29.

Conditions:
Inborn genetic diseases. Identifiers: MedGen C0950123, MeSH D030342.
O'Donnell-Luria-Rodan syndrome (ODLURO). Also called: KMT2E-Related Neurodevelopmental Disorder. Identifiers: MedGen C5193138, MONDO:0032793, OMIM 618512.

Submissions (3):

Victorian Clinical Genetics Services, Murdoch Childrens Research Institute
Classification: Pathogenic for O'Donnell-Luria-Rodan syndrome. Last evaluated: 2026-03-29. Review status: criteria provided, single submitter. Criteria: ACMG Guidelines, 2015. Collection method: clinical testing. Allele origin: germline. Affected: yes.
Comment: This variant is classified as Pathogenic. Evidence in support of pathogenic classification: Variant is predicted to cause nonsense-mediated decay (NMD) and loss of protein (premature termination codon is located at least 54 nucleotides upstream of the final exon-exon junction); Variant is absent from gnomAD (v2, v3 and v4); This variant has moderate previous evidence of pathogenicity in unrelated individuals. This variant has been classified as pathogenic by a clinical laboratory in ClinVar, and has been reported in the literature in an individual with KMT2E-related neurodevelopmental disorder (PMID: 35169466); Other NMD-predicted variants comparable to the one identified in this case have very strong previous evidence for pathogenicity (DECIPHER). Additional information: This variant is heterozygous; This gene is associated with autosomal dominant disease; Loss of function is a known mechanism of disease in this gene and is associated with O'Donnell-Luria-Rodan syndrome (MIM#618512); Inheritance information for this variant is not currently available in this individual.

Ambry Genetics
Classification: Pathogenic for Inborn genetic diseases. Last evaluated: 2025-11-12. Review status: criteria provided, single submitter. Criteria: Ambry Variant Classification Scheme 2023. Collection method: clinical testing. Allele origin: germline.
Comment: The c.2334_2337delTTAC (p.Y779Afs*41) alteration, located in exon 18 (coding exon 16) of the KMT2E gene, consists of a deletion of 4 nucleotides from position 2334 to 2337, causing a translational frameshift with a predicted alternate stop codon after 41 amino acids. This alteration is expected to result in loss of function by premature protein truncation or nonsense-mediated mRNA decay. This variant was not reported in population-based cohorts in the Genome Aggregation Database (gnomAD). This variant was reported in individual(s) with features consistent with O'Donnell-Luria-Rodan syndrome (Abreu, 2022). Based on the available evidence, this alteration is classified as pathogenic.

Labcorp Genetics (formerly Invitae), Labcorp
Classification: Pathogenic. Last evaluated: 2024-10-26. Review status: criteria provided, single submitter. Criteria: Invitae Variant Classification Sherloc (09022015). Collection method: clinical testing. Allele origin: germline.
Comment: This sequence change creates a premature translational stop signal (p.Tyr779Alafs*41) in the KMT2E gene. It is expected to result in an absent or disrupted protein product. Loss-of-function variants in KMT2E are known to be pathogenic (PMID: 31079897). This variant is not present in population databases (gnomAD no frequency). This premature translational stop signal has been observed in individual(s) with intellectual disability (PMID: 35169466). ClinVar contains an entry for this variant (Variation ID: 2007780). For these reasons, this variant has been classified as Pathogenic.

Literature cited by the submitters: PubMed 35169466 (cited by 3 submitters); PubMed 31079897 (cited by Labcorp Genetics (formerly Invitae), Labcorp).